The following is an entry in ClinVar:

ClinVar aggregate classification (germline): Conflicting classifications of pathogenicity. Review status: criteria provided, conflicting classifications (1 of 4 stars). 2 submissions from 2 submitters: Likely pathogenic (1); Uncertain significance (1). Last evaluated 2022-07-06.

Conditions:
Infantile-onset generalized dyskinesia with orofacial involvement. Also called: Dyskinesia, limb and orofacial, infantile-onset. Identifiers: Orphanet 494526, MedGen C5567464, MONDO:0044637, OMIM 616921.
Striatal degeneration, autosomal dominant 2 (ADSD2). Identifiers: MedGen C4310791, MONDO:0014835, OMIM 616922.

Allele frequency attached by ClinVar (database versions not stated): TOPMed below 0.00001.
gnomAD v4.1: 4 of 1,604,942 alleles (0.00025%); highest among the groups gnomAD compares: East Asian, 0.0022%; no homozygotes.

Submissions (2):

Labcorp Genetics (formerly Invitae), Labcorp
Classification: Uncertain significance. Last evaluated: 2022-07-06. Review status: criteria provided, single submitter. Criteria: Invitae Variant Classification Sherloc (09022015). Collection method: clinical testing. Allele origin: germline.
Comment: In summary, the available evidence is currently insufficient to determine the role of this variant in disease. Therefore, it has been classified as a Variant of Uncertain Significance. ClinVar contains an entry for this variant (Variation ID: 804399). This variant has not been reported in the literature in individuals affected with PDE10A-related conditions. This variant is not present in population databases (gnomAD no frequency). This sequence change creates a premature translational stop signal (p.Arg182*) in the PDE10A gene. It is expected to result in an absent or disrupted protein product. However, the current clinical and genetic evidence is not sufficient to establish whether loss-of-function variants in PDE10A cause disease.

Hadassah Hebrew University Medical Center
Classification: Likely pathogenic for Infantile-onset generalized dyskinesia with orofacial involvement; Striatal degeneration, autosomal dominant 2. Last evaluated: 2019-06-20. Review status: criteria provided, single submitter. Criteria: ACMG Guidelines, 2015. Collection method: clinical testing. Allele origin: germline. Inheritance: Autosomal recessive inheritance. Affected: yes.

NM_001385079.1(PDE10A):c.1342C>T (p.Arg448Ter)

Gene: PDE10A (phosphodiesterase 10A; minus strand). Cytogenetic location: 6q27.
Variant type: single nucleotide variant.
Coding change: c.1342C>T on transcript NM_001385079.1 (MANE Select); coding-DNA position 1342, C replaced by T.
Protein change: p.Arg448Ter; replaces arginine 448 with a stop codon.
Molecular consequence: nonsense.
Genome position (GRCh38, 1-based): chr6:165,433,123, G>A on the plus strand (C>T on the coding strand, the complement: PDE10A is on the minus strand). VCF-style: chr6-165433123-G-A. GRCh37 (hg19) VCF-style: chr6-165846611-G-A.
Other names: c.544C>T, p.Arg182Ter (NM_001130690.3); c.514C>T, p.Arg172Ter (NM_006661.4); short protein forms R182*, R172*, R448*.
Identifiers: ClinVar variation 804399 (VCV000804399.8), dbSNP rs1583275773, ClinGen allele CA366482812.